The following is an entry in ClinVar:

ClinVar aggregate classification (germline): Likely pathogenic (1 of 4 stars; one submission).

Conditions:
FG syndrome 4 (FGS4). Identifiers: MedGen C1845546, MONDO:0010318, OMIM 300422.

Submission:

Institute of Human Genetics, University of Leipzig Medical Center
Classification: Likely pathogenic for FG syndrome 4. Last evaluated: 2025-09-09. Review status: criteria provided, single submitter. Criteria: ACMG Guidelines, 2015. Collection method: clinical testing. Allele origin: de novo. Inheritance: X-linked recessive inheritance. Affected: yes.
Comment: Criteria applied: PVS1_STR,PS2_MOD,PM2

NM_001367721.1:c.1156-4408_1503+2676dup

Gene: CASK (calcium/calmodulin dependent serine protein kinase; minus strand).
Variant type: Duplication.
Other names: c.1156-4408_1503+2676dup (NM_001367721.1).
Identifiers: ClinVar variation 4291118 (VCV004291118.2).